The following is an entry in ClinVar:

ClinVar aggregate classification (germline): Uncertain significance (1 of 4 stars; one submission).

Allele frequency attached by ClinVar (database versions not stated): gnomAD exomes below 0.00001 and 0.00001.
gnomAD v4.1: 11 of 1,614,210 alleles (0.00068%); highest among the groups gnomAD compares: Non-Finnish European, 0.00085%; no homozygotes.

Submission:

GeneDx
Classification: Uncertain significance. Last evaluated: 2019-08-14. Review status: criteria provided, single submitter. Criteria: GeneDx Variant Classification Process June 2021. Collection method: clinical testing. Allele origin: germline. Affected: yes.
Comment: Not observed at a significant frequency in large population cohorts (Lek et al., 2016); In silico analysis, which includes protein predictors and evolutionary conservation, supports a deleterious effect; Has not been previously published as pathogenic or benign to our knowledge

NM_001256071.3(RNF213):c.1432C>T (p.Arg478Cys)

Gene: RNF213 (ring finger protein 213; plus strand). Cytogenetic location: 17q25.3.
Variant type: single nucleotide variant.
Coding change: c.1432C>T on transcript NM_001256071.3 (MANE Select); coding-DNA position 1432, C replaced by T.
Protein change: p.Arg478Cys; replaces arginine 478 with cysteine.
Molecular consequence: missense variant.
Genome position (GRCh38, 1-based): chr17:80,291,788, C>T. VCF-style: chr17-80291788-C-T. GRCh37 (hg19) VCF-style: chr17-78265587-C-T.
Other names: c.1432C>T, p.Arg478Cys (NM_020954.4); short protein forms R478C.
Identifiers: ClinVar variation 1318827 (VCV001318827.2), dbSNP rs1460385786, ClinGen allele CA401371694.
Genomic context (GRCh38, chr17:80,291,788, plus strand): 5'-GAATCTTTTGAGTATGAGTTCATTTACAAGCACCAGCAGAAGAAGGGCGAGTACGTCAAC[C>T]GCTGTCTGTTCATAAAATCTTCACTTCTGGGCTCAGGAGGTAAGTCGTGGCAGCAGGCTG-3'
Protein context (NP_001243000.2, residues 468-488): HQQKKGEYVN[Arg478Cys]CLFIKSSLLG